The following is an entry in ClinVar:

ClinVar aggregate classification (germline): Uncertain significance (1 of 4 stars; one submission).

gnomAD v4.1: 4 of 1,608,632 alleles (0.00025%); highest among the groups gnomAD compares: South Asian, 0.0011%; no homozygotes.

Submission:

GeneDx
Classification: Uncertain significance. Last evaluated: 2023-05-22. Review status: criteria provided, single submitter. Criteria: GeneDx Variant Classification Process June 2021. Collection method: clinical testing. Allele origin: germline. Affected: yes.
Comment: Not observed at significant frequency in large population cohorts (gnomAD); In silico analysis supports that this variant does not alter splicing; Has not been previously published as pathogenic or benign to our knowledge

NM_006005.3(WFS1):c.333G>A (p.Leu111=)

Gene: WFS1 (wolframin ER transmembrane glycoprotein; plus strand). Cytogenetic location: 4p16.1.
Variant type: single nucleotide variant.
Coding change: c.333G>A on transcript NM_006005.3 (MANE Select); coding-DNA position 333, G replaced by A.
Protein change: p.Leu111=; no amino-acid change (leucine 111 retained).
Molecular consequence: synonymous variant.
Genome position (GRCh38, 1-based): chr4:6,289,004, G>A. VCF-style: chr4-6289004-G-A. GRCh37 (hg19) VCF-style: chr4-6290731-G-A.
Other names: c.333G>A, p.Leu111= (NM_001145853.1).
Identifiers: ClinVar variation 3343706 (VCV003343706.1).